The following is an entry in ClinVar:

ClinVar aggregate classification (germline): Uncertain significance. Review status: criteria provided, multiple submitters, no conflicts (2 of 4 stars). 4 submissions from 4 submitters: Uncertain significance (3). 1 of the submissions does not count toward it. Last evaluated 2023-12-14.

Conditions:
Inborn genetic diseases. Identifiers: MedGen C0950123, MeSH D030342.
Bardet-Biedl syndrome (BBS). Identifiers: Orphanet 110, MedGen C0752166, MONDO:0015229.
Bardet-Biedl syndrome 12 (BBS12). Identifiers: Orphanet 110, MedGen C1859570, MONDO:0014440, OMIM 615989.

Allele frequency attached by ClinVar (database versions not stated): gnomAD exomes 0.00001 and 0.00002.

Submissions (4):

Ambry Genetics
Classification: Uncertain significance for Inborn genetic diseases. Last evaluated: 2023-12-14. Review status: criteria provided, single submitter. Criteria: Ambry Variant Classification Scheme 2023. Collection method: clinical testing. Allele origin: germline.

Labcorp Genetics (formerly Invitae), Labcorp
Classification: Uncertain significance for Bardet-Biedl syndrome. Last evaluated: 2022-07-30. Review status: criteria provided, single submitter. Criteria: Invitae Variant Classification Sherloc (09022015). Collection method: clinical testing. Allele origin: germline.
Comment: This sequence change replaces arginine, which is basic and polar, with lysine, which is basic and polar, at codon 239 of the BBS12 protein (p.Arg239Lys). This variant is present in population databases (no rsID available, gnomAD 0.0009%). This variant has not been reported in the literature in individuals affected with BBS12-related conditions. ClinVar contains an entry for this variant (Variation ID: 1045887). Algorithms developed to predict the effect of missense changes on protein structure and function output the following: SIFT: "Tolerated"; PolyPhen-2: "Benign"; Align-GVGD: "Class C0". The lysine amino acid residue is found in multiple mammalian species, which suggests that this missense change does not adversely affect protein function. In summary, the available evidence is currently insufficient to determine the role of this variant in disease. Therefore, it has been classified as a Variant of Uncertain Significance.

Fulgent Genetics
Classification: Uncertain significance for Bardet-Biedl syndrome 12. Last evaluated: 2022-01-07. Review status: criteria provided, single submitter. Criteria: ACMG Guidelines, 2015. Collection method: clinical testing. Allele origin: unknown.

Natera, Inc.
Classification: Uncertain significance for Bardet-Biedl syndrome type 12. Last evaluated: 2020-11-09. Review status: no assertion criteria provided. Collection method: clinical testing. Allele origin: germline. Not counted in ClinVar's aggregate classification.

NM_152618.3(BBS12):c.716G>A (p.Arg239Lys)

Gene: BBS12 (Bardet-Biedl syndrome 12; plus strand). Cytogenetic location: 4q27.
Variant type: single nucleotide variant.
Coding change: c.716G>A on transcript NM_152618.3 (MANE Select); coding-DNA position 716, G replaced by A.
Protein change: p.Arg239Lys; replaces arginine 239 with lysine.
Molecular consequence: missense variant.
Genome position (GRCh38, 1-based): chr4:122,742,608, G>A. VCF-style: chr4-122742608-G-A. GRCh37 (hg19) VCF-style: chr4-123663763-G-A.
Other names: c.716G>A (NM_152618.2); c.716G>A, p.Arg239Lys (NM_001178007.2); short protein forms R239K.
Identifiers: ClinVar variation 1045887 (VCV001045887.5), dbSNP rs1179124061, ClinGen allele CA358223536.